The following is an entry in ClinVar:

ClinVar aggregate classification (germline): Likely benign (0 of 4 stars; one submission).

Conditions:
CHD7-related disorder. Also called: CHD7-related condition.

Allele frequency attached by ClinVar (database versions not stated): gnomAD exomes below 0.00001.
gnomAD v4.1: 1 of 1,613,924 alleles (0.000062%); highest among the groups gnomAD compares: East Asian, 0.0022%; no homozygotes.

Submission:

PreventionGenetics, part of Exact Sciences
Classification: Likely benign for CHD7-related condition. Last evaluated: 2023-10-03. Review status: no assertion criteria provided. Collection method: clinical testing. Allele origin: germline.
Comment: This variant is classified as likely benign based on ACMG/AMP sequence variant interpretation guidelines (Richards et al. 2015 PMID: 25741868, with internal and published modifications).

NM_017780.4(CHD7):c.957T>C (p.Asn319=)

Gene: CHD7 (chromodomain helicase DNA binding protein 7; plus strand). Cytogenetic location: 8q12.2.
Variant type: single nucleotide variant.
Coding change: c.957T>C on transcript NM_017780.4 (MANE Select); coding-DNA position 957, T replaced by C.
Protein change: p.Asn319=; no amino-acid change (asparagine 319 retained).
Molecular consequence: synonymous variant.
Genome position (GRCh38, 1-based): chr8:60,742,389, T>C. VCF-style: chr8-60742389-T-C. GRCh37 (hg19) VCF-style: chr8-61654948-T-C.
Other names: c.957T>C, p.Asn319= (NM_001316690.1).
Identifiers: ClinVar variation 3033695 (VCV003033695.2), dbSNP rs1394266543, ClinGen allele CA461103426.